The following is an entry in ClinVar:

NC_000016.10:g.56989465C>G

Gene: NLRC5 (NLR family CARD domain containing 5; plus strand). Cytogenetic location: 16q13.
Variant type: single nucleotide variant.
Genome position: GRCh38 VCF-style: chr16-56989465-C-G. GRCh37 (hg19) VCF-style: chr16-57023377-C-G.
Identifiers: ClinVar variation 102978 (VCV000102978.3), dbSNP rs199475964, ClinGen allele CA229944.

ClinVar aggregate classification (germline): not provided (0 of 4 stars; one submission).

Allele frequency attached by ClinVar (database versions not stated): gnomAD 0.00008 and 0.00015; TOPMed 0.00014; 1000 Genomes Project 0.00060; 1000 Genomes Project 30x 0.00062.

Submission:

Human Evolutionary Genetics, Institut Pasteur
No classification provided. Review status: no classification provided. Collection method: not provided. Allele origin: germline.
ClinVar note: Converted during submission from untested to not provided.